The following is an entry in ClinVar:

NM_014317.5(PDSS1):c.646T>A (p.Ser216Thr)

Gene: PDSS1 (decaprenyl diphosphate synthase subunit 1; plus strand). Cytogenetic location: 10p12.1.
Variant type: single nucleotide variant.
Coding change: c.646T>A on transcript NM_014317.5 (MANE Select); coding-DNA position 646, T replaced by A.
Protein change: p.Ser216Thr; replaces serine 216 with threonine.
Molecular consequence: missense variant.
Genome position (GRCh38, 1-based): chr10:26,723,842, T>A. VCF-style: chr10-26723842-T-A. GRCh37 (hg19) VCF-style: chr10-27012771-T-A.
Other names: c.646T>A, p.Ser216Thr (NM_001321978.2); c.136T>A, p.Ser46Thr (NM_001321979.2); c.646T>A (NM_014317.3); short protein forms S216T, S46T.
Identifiers: ClinVar variation 1951017 (VCV001951017.4), dbSNP rs1327562567, ClinGen allele CA376348141.

ClinVar aggregate classification (germline): Uncertain significance. Review status: criteria provided, multiple submitters, no conflicts (2 of 4 stars). 2 submissions from 2 submitters: Uncertain significance (2). Last evaluated 2024-12-10.

Conditions:
Inborn genetic diseases. Identifiers: MedGen C0950123, MeSH D030342.

Allele frequency attached by ClinVar (database versions not stated): gnomAD exomes below 0.00001; gnomAD 0.00001; TOPMed 0.00001.
gnomAD v4.1: 5 of 1,613,418 alleles (0.00031%); highest among the groups gnomAD compares: African/African-American, 0.0067%; no homozygotes.

Submissions (2):

Ambry Genetics
Classification: Uncertain significance for Inborn genetic diseases. Last evaluated: 2024-12-10. Review status: criteria provided, single submitter. Criteria: Ambry Variant Classification Scheme 2023. Collection method: clinical testing. Allele origin: germline.

Labcorp Genetics (formerly Invitae), Labcorp
Classification: Uncertain significance. Last evaluated: 2022-01-11. Review status: criteria provided, single submitter. Criteria: Invitae Variant Classification Sherloc (09022015). Collection method: clinical testing. Allele origin: germline.
Comment: In summary, the available evidence is currently insufficient to determine the role of this variant in disease. Therefore, it has been classified as a Variant of Uncertain Significance. Algorithms developed to predict the effect of missense changes on protein structure and function are either unavailable or do not agree on the potential impact of this missense change (SIFT: "Not Available"; PolyPhen-2: "Benign"; Align-GVGD: "Not Available"). This variant has not been reported in the literature in individuals affected with PDSS1-related conditions. This variant is present in population databases (no rsID available, gnomAD 0.01%). This sequence change replaces serine, which is neutral and polar, with threonine, which is neutral and polar, at codon 216 of the PDSS1 protein (p.Ser216Thr).